The following is an entry in ClinVar:

ClinVar aggregate classification (germline): Uncertain significance (1 of 4 stars; one submission).

Allele frequency attached by ClinVar (database versions not stated): TOPMed below 0.00001; ExAC 0.00001; gnomAD 0.00001; 1000 Genomes Project 30x 0.00016; 1000 Genomes Project 0.00020.
gnomAD v4.1: 4 of 1,612,970 alleles (0.00025%); highest among the groups gnomAD compares: South Asian, 0.0044%; no homozygotes.

Submission:

Ambry Genetics
Classification: Uncertain significance. Last evaluated: 2024-03-30. Review status: criteria provided, single submitter. Criteria: Ambry Variant Classification Scheme 2023. Collection method: clinical testing. Allele origin: germline.
Comment: The p.P734A variant (also known as c.2200C>G), located in coding exon 18 of the BUB1 gene, results from a C to G substitution at nucleotide position 2200. The proline at codon 734 is replaced by alanine, an amino acid with highly similar properties. This amino acid position is conserved. In addition, this alteration is predicted to be tolerated by in silico analysis. Since supporting evidence is limited at this time, the clinical significance of this alteration remains unclear.

NM_004336.5(BUB1):c.2200C>G (p.Pro734Ala)

Gene: BUB1 (BUB1 mitotic checkpoint serine/threonine kinase; minus strand). Cytogenetic location: 2q13.
Variant type: single nucleotide variant.
Coding change: c.2200C>G on transcript NM_004336.5 (MANE Select); coding-DNA position 2200, C replaced by G.
Protein change: p.Pro734Ala; replaces proline 734 with alanine.
Molecular consequence: missense variant.
Genome position (GRCh38, 1-based): chr2:110,650,549, G>C on the plus strand (C>G on the coding strand, the complement: BUB1 is on the minus strand). VCF-style: chr2-110650549-G-C. GRCh37 (hg19) VCF-style: chr2-111408126-G-C.
Other names: c.2140C>G, p.Pro714Ala (NM_001278616.2); c.2200C>G, p.Pro734Ala (NM_001278617.2); short protein forms P714A, P734A.
Identifiers: ClinVar variation 1787628 (VCV001787628.3), dbSNP rs543760205, ClinGen allele CA1827873.
Genomic context (GRCh38, chr2:110,650,549, plus strand): 5'-GCTTTCCCCATGCTCCTGTCCTGATTCAAGGGCATAACAAAGAGTGAGTGTTCGTACTTG[G>C]AGCATCAACAGTCCCAAGTGAACTCATCTGCATCCATTCTGCTTGGAGCCCAGCAATAGC-3'
Protein context (NP_004327.1, residues 724-744): QMSSLGTVDA[Pro734Ala]NFIVGNPWDD